The following is an entry in ClinVar:

ClinVar aggregate classification (germline): Uncertain significance. Review status: criteria provided, multiple submitters, no conflicts (2 of 4 stars). 3 submissions from 3 submitters: Uncertain significance (3). Last evaluated 2022-07-30.

Allele frequency attached by ClinVar (database versions not stated): gnomAD 0.00001; gnomAD exomes 0.00001; TOPMed 0.00002.
gnomAD v4.1: 6 of 1,612,906 alleles (0.00037%); highest among the groups gnomAD compares: South Asian, 0.0011%; no homozygotes.

Submissions (3):

Labcorp Genetics (formerly Invitae), Labcorp
Classification: Uncertain significance. Last evaluated: 2022-07-30. Review status: criteria provided, single submitter. Criteria: Invitae Variant Classification Sherloc (09022015). Collection method: clinical testing. Allele origin: germline.
Comment: Advanced modeling of protein sequence and biophysical properties (such as structural, functional, and spatial information, amino acid conservation, physicochemical variation, residue mobility, and thermodynamic stability) performed at Invitae indicates that this missense variant is not expected to disrupt COL9A1 protein function. ClinVar contains an entry for this variant (Variation ID: 850174). This variant has not been reported in the literature in individuals affected with COL9A1-related conditions. This variant is not present in population databases (gnomAD no frequency). This sequence change replaces histidine, which is basic and polar, with asparagine, which is neutral and polar, at codon 431 of the COL9A1 protein (p.His431Asn). In summary, the available evidence is currently insufficient to determine the role of this variant in disease. Therefore, it has been classified as a Variant of Uncertain Significance.

GeneDx
Classification: Uncertain significance. Last evaluated: 2022-04-19. Review status: criteria provided, single submitter. Criteria: GeneDx Variant Classification Process June 2021. Collection method: clinical testing. Allele origin: germline. Affected: yes.
Comment: Not observed at significant frequency in large population cohorts (gnomAD); In silico analysis supports that this missense variant has a deleterious effect on protein structure/function; Has not been previously published as pathogenic or benign to our knowledge

Blueprint Genetics
Classification: Uncertain significance. Last evaluated: 2019-02-19. Review status: criteria provided, single submitter. Criteria: ACMG Guidelines, 2015. Collection method: clinical testing. Allele origin: germline.

NM_001851.6(COL9A1):c.1291C>A (p.His431Asn)

Gene: COL9A1 (collagen type IX alpha 1 chain; minus strand). Cytogenetic location: 6q13.
Variant type: single nucleotide variant.
Coding change: c.1291C>A on transcript NM_001851.6 (MANE Select); coding-DNA position 1291, C replaced by A.
Protein change: p.His431Asn; replaces histidine 431 with asparagine.
Molecular consequence: missense variant. On other transcripts: non-coding transcript variant (1).
Genome position (GRCh38, 1-based): chr6:70,266,767, G>T on the plus strand (C>A on the coding strand, the complement: COL9A1 is on the minus strand). VCF-style: chr6-70266767-G-T. GRCh37 (hg19) VCF-style: chr6-70976470-G-T.
Other names: c.562C>A, p.His188Asn (NM_001377289.1, NM_001377290.1, NM_078485.4); short protein forms H431N, H188N.
Identifiers: ClinVar variation 850174 (VCV000850174.10), dbSNP rs1411242839, ClinGen allele CA364680786.